The following is an entry in ClinVar:

NM_003482.4(KMT2D):c.14564A>G (p.Asp4855Gly)

Gene: KMT2D (lysine methyltransferase 2D; minus strand). Cytogenetic location: 12q13.12.
Variant type: single nucleotide variant.
Coding change: c.14564A>G on transcript NM_003482.4 (MANE Select); coding-DNA position 14564, A replaced by G.
Protein change: p.Asp4855Gly; replaces aspartic acid 4855 with glycine.
Molecular consequence: missense variant.
Genome position (GRCh38, 1-based): chr12:49,027,882, T>C on the plus strand (A>G on the coding strand, the complement: KMT2D is on the minus strand). VCF-style: chr12-49027882-T-C. GRCh37 (hg19) VCF-style: chr12-49421665-T-C.
Other names: short protein forms D4855G.
Identifiers: ClinVar variation 3635090 (VCV003635090.2).
Genomic context (GRCh38, chr12:49,027,882, plus strand): 5'-ATGTCTAGTTGGCTCTTCAGGGTATAGCCAGGCAACACTGCATCAAACTGCTTCAGCCAA[T>C]CAGGGCCAGTGTCTGGGCTCTTGCCTTCCAGACCCTTTTCCTTCCCACCTGCAGAAAGGA-3'
Protein context (NP_003473.3, residues 4845-4865): LEGKSPDTGP[Asp4855Gly]WLKQFDAVLP

ClinVar aggregate classification (germline): Uncertain significance (1 of 4 stars; one submission).

Conditions:
Kabuki syndrome. Also called: NIIKAWA-KUROKI SYNDROME; Kabuki make-up syndrome. Identifiers: Orphanet 2322, MedGen C0796004, MONDO:0016512.

Submission:

Labcorp Genetics (formerly Invitae), Labcorp
Classification: Uncertain significance for Kabuki syndrome. Last evaluated: 2024-12-28. Review status: criteria provided, single submitter. Criteria: Invitae Variant Classification Sherloc (09022015). Collection method: clinical testing. Allele origin: germline.
Comment: This sequence change replaces aspartic acid, which is acidic and polar, with glycine, which is neutral and non-polar, at codon 4855 of the KMT2D protein (p.Asp4855Gly). This variant is not present in population databases (gnomAD no frequency). This variant has not been reported in the literature in individuals affected with KMT2D-related conditions. Invitae Evidence Modeling of protein sequence and biophysical properties (such as structural, functional, and spatial information, amino acid conservation, physicochemical variation, residue mobility, and thermodynamic stability) indicates that this missense variant is not expected to disrupt KMT2D protein function with a negative predictive value of 95%. In summary, the available evidence is currently insufficient to determine the role of this variant in disease. Therefore, it has been classified as a Variant of Uncertain Significance.